The following is an entry in ClinVar:

ClinVar aggregate classification (germline): Uncertain significance (1 of 4 stars; one submission).

Submission:

Labcorp Genetics (formerly Invitae), Labcorp
Classification: Uncertain significance. Last evaluated: 2025-06-29. Review status: criteria provided, single submitter. Criteria: Invitae Variant Classification Sherloc (09022015). Collection method: clinical testing. Allele origin: germline.
Comment: This sequence change creates a premature translational stop signal (p.Gln251*) in the IRF2BP2 gene. It is expected to result in an absent or disrupted protein product. However, the current clinical and genetic evidence is not sufficient to establish whether loss-of-function variants in IRF2BP2 cause disease. This variant is not present in population databases (gnomAD no frequency). This variant has not been reported in the literature in individuals affected with IRF2BP2-related conditions. In summary, the available evidence is currently insufficient to determine the role of this variant in disease. Therefore, it has been classified as a Variant of Uncertain Significance.

NM_182972.3(IRF2BP2):c.751C>T (p.Gln251Ter)

Gene: IRF2BP2 (interferon regulatory factor 2 binding protein 2; minus strand). Cytogenetic location: 1q42.3.
Variant type: single nucleotide variant.
Coding change: c.751C>T on transcript NM_182972.3 (MANE Select); coding-DNA position 751, C replaced by T.
Protein change: p.Gln251Ter; replaces glutamine 251 with a stop codon.
Molecular consequence: nonsense.
Genome position (GRCh38, 1-based): chr1:234,608,744, G>A on the plus strand (C>T on the coding strand, the complement: IRF2BP2 is on the minus strand). VCF-style: chr1-234608744-G-A. GRCh37 (hg19) VCF-style: chr1-234744490-G-A.
Other names: c.751C>T, p.Gln251Ter (NM_001077397.1); short protein forms Q251*.
Identifiers: ClinVar variation 4774652 (VCV004774652.1).